The following is an entry in ClinVar:

ClinVar aggregate classification (germline): Uncertain significance (1 of 4 stars; one submission).

Conditions:
Tuberous sclerosis 2 (TSC2). Identifiers: Orphanet 805, MedGen C1860707, MONDO:0013199, OMIM 613254.

Submission:

Labcorp Genetics (formerly Invitae), Labcorp
Classification: Uncertain significance for Tuberous sclerosis 2. Last evaluated: 2023-09-03. Review status: criteria provided, single submitter. Criteria: Invitae Variant Classification Sherloc (09022015). Collection method: clinical testing. Allele origin: germline.
Comment: Advanced modeling of protein sequence and biophysical properties (such as structural, functional, and spatial information, amino acid conservation, physicochemical variation, residue mobility, and thermodynamic stability) performed at Invitae indicates that this missense variant is not expected to disrupt TSC2 protein function. In summary, the available evidence is currently insufficient to determine the role of this variant in disease. Therefore, it has been classified as a Variant of Uncertain Significance. This variant has not been reported in the literature in individuals affected with TSC2-related conditions. This variant is not present in population databases (gnomAD no frequency). This sequence change replaces glutamic acid, which is acidic and polar, with aspartic acid, which is acidic and polar, at codon 863 of the TSC2 protein (p.Glu863Asp).

NM_000548.5(TSC2):c.2589G>T (p.Glu863Asp)

Gene: TSC2 (TSC complex subunit 2; plus strand). Cytogenetic location: 16p13.3.
Variant type: single nucleotide variant.
Coding change: c.2589G>T on transcript NM_000548.5 (MANE Select); coding-DNA position 2589, G replaced by T.
Protein change: p.Glu863Asp; replaces glutamic acid 863 with aspartic acid.
Molecular consequence: missense variant. On other transcripts: non-coding transcript variant (5).
Genome position (GRCh38, 1-based): chr16:2,075,842, G>T. VCF-style: chr16-2075842-G-T. GRCh37 (hg19) VCF-style: chr16-2125843-G-T.
Other names: c.2589G>T, p.Glu863Asp (NM_001077183.3, NM_001114382.3, NM_021055.3 and 6 more transcripts); c.2679G>T, p.Glu893Asp (NM_001406667.1, NM_001406668.1); c.2478G>T, p.Glu826Asp (NM_001406670.1, NM_001406678.1, NM_001318827.2); c.2577G>T, p.Glu859Asp (NM_001406671.1, NM_001406673.1); c.2442G>T, p.Glu814Asp (NM_001406675.1, NM_001406676.1, NM_001318829.2 and 1 more transcripts); c.2532G>T, p.Glu844Asp (NM_001406677.1); c.1245G>T, p.Glu415Asp (NM_001406689.1, NM_001406690.1, NM_001406691.1 and 6 more transcripts); c.987G>T, p.Glu329Asp (NM_001406698.1); and 3 more; short protein forms E415D, E893D, E329D, E663D, E826D, E874D, E709D, E859D.
Identifiers: ClinVar variation 2757668 (VCV002757668.3), dbSNP rs1596365136, ClinGen allele CA394278388.